The following is an entry in ClinVar:

ClinVar aggregate classification (germline): Pathogenic (1 of 4 stars; one submission).

Conditions:
Neurofibromatosis, type 1 (NF1). Also called: VON RECKLINGHAUSEN DISEASE; NEUROFIBROMATOSIS, TYPE I, SOMATIC; Peripheral type neurofibromatosis; Neurofibromatosis, type I. Identifiers: Orphanet 636, MedGen C0027831, MONDO:0018975, OMIM 162200. Disease mechanism: loss of function.

Submission:

Labcorp Genetics (formerly Invitae), Labcorp
Classification: Pathogenic for Neurofibromatosis, type 1. Last evaluated: 2021-12-23. Review status: criteria provided, single submitter. Criteria: Invitae Variant Classification Sherloc (09022015). Collection method: clinical testing. Allele origin: germline.
Comment: This sequence change creates a premature translational stop signal (p.Met2010Aspfs*29) in the NF1 gene. It is expected to result in an absent or disrupted protein product. Loss-of-function variants in NF1 are known to be pathogenic (PMID: 10712197, 23913538). This variant is not present in population databases (gnomAD no frequency). This variant has not been reported in the literature in individuals affected with NF1-related conditions. ClinVar contains an entry for this variant (Variation ID: 457779). For these reasons, this variant has been classified as Pathogenic.

Literature cited by the submitters: PubMed 10712197; PubMed 23913538.

NM_001042492.3(NF1):c.6090dup (p.Met2031fs)

Gene: NF1 (neurofibromin 1; plus strand). Cytogenetic location: 17q11.2.
Variant type: Duplication.
Coding change: c.6090dup on transcript NM_001042492.3 (MANE Select); coding-DNA position 6090, one base duplicated (G; older notation c.6090dupG).
Protein change: p.Met2031fs; shifts the reading frame from methionine 2031.
Molecular consequence: frameshift variant.
Genome position (GRCh38, 1-based): chr17:31,336,416, G duplicated. VCF-style (leftmost placement, unchanged base first): chr17-31336415-T-TG. GRCh37 (hg19) VCF-style: chr17-29663433-T-TG.
Other names: c.6027dup, p.Met2010Aspfs (NM_000267.4); c.6027dupG (NM_000267.3); short protein forms M2010fs, M2031fs.
Identifiers: ClinVar variation 457779 (VCV000457779.5), dbSNP rs1555534611, ClinGen allele CA658658560.